The following is an entry in ClinVar:

ClinVar aggregate classification (germline): Uncertain significance (1 of 4 stars; one submission).

Allele frequency attached by ClinVar (database versions not stated): gnomAD 0.00001; gnomAD exomes 0.00002; TOPMed 0.00002; ExAC 0.00005.
gnomAD v4.1: 23 of 1,557,646 alleles (0.0015%); highest among the groups gnomAD compares: Non-Finnish European, 0.002%; no homozygotes.

Submission:

Labcorp Genetics (formerly Invitae), Labcorp
Classification: Uncertain significance. Last evaluated: 2022-04-25. Review status: criteria provided, single submitter. Criteria: Invitae Variant Classification Sherloc (09022015). Collection method: clinical testing. Allele origin: germline.
Comment: In summary, the available evidence is currently insufficient to determine the role of this variant in disease. Therefore, it has been classified as a Variant of Uncertain Significance. Algorithms developed to predict the effect of missense changes on protein structure and function are either unavailable or do not agree on the potential impact of this missense change (SIFT: "Deleterious"; PolyPhen-2: "Not Available"; Align-GVGD: "Class C0"). This variant has not been reported in the literature in individuals affected with PCLO-related conditions. This variant is present in population databases (rs751700273, gnomAD 0.003%). This sequence change replaces serine, which is neutral and polar, with tyrosine, which is neutral and polar, at codon 2398 of the PCLO protein (p.Ser2398Tyr).

NM_033026.6(PCLO):c.7193C>A (p.Ser2398Tyr)

Gene: PCLO (piccolo presynaptic cytomatrix protein; minus strand). Cytogenetic location: 7q21.11.
Variant type: single nucleotide variant.
Coding change: c.7193C>A on transcript NM_033026.6 (MANE Select); coding-DNA position 7193, C replaced by A.
Protein change: p.Ser2398Tyr; replaces serine 2398 with tyrosine.
Molecular consequence: missense variant.
Genome position (GRCh38, 1-based): chr7:82,953,760, G>T on the plus strand (C>A on the coding strand, the complement: PCLO is on the minus strand). VCF-style: chr7-82953760-G-T. GRCh37 (hg19) VCF-style: chr7-82583076-G-T.
Other names: c.7193C>A, p.Ser2398Tyr (NM_014510.3); short protein forms S2398Y.
Identifiers: ClinVar variation 1966598 (VCV001966598.5), dbSNP rs751700273, ClinGen allele CA4320344.
Genomic context (GRCh38, chr7:82,953,760, plus strand): 5'-GGAGGAGGAGGAGGAGGGGGAGGGGGAGGAGGGGGAGGAGGTTGAGCTGATATATCCAAA[G>T]AAGAACTTCTAAAGAATGGGCGAGGTTTAGCTGGAAGAGAGGAAACAGAAGGACTGCCAG-3'
Protein context (NP_149015.2, residues 2388-2408): AKPRPFFRSS[Ser2398Tyr]LDISAQPPPP